The following is an entry in ClinVar:

ClinVar aggregate classification (germline): Likely benign (1 of 4 stars; one submission).

Conditions:
PLN-related disorder. Also called: PLN-related condition.

Submission:

PreventionGenetics, part of Exact Sciences
Classification: Likely benign for PLN-related condition. Last evaluated: 2025-08-27. Review status: criteria provided, single submitter. Criteria: ACMG Guidelines, 2015. Collection method: clinical testing. Allele origin: germline.
Comment: This variant is classified as likely benign based on ACMG/AMP sequence variant interpretation guidelines (Richards et al. 2015 PMID: 25741868, with internal and published modifications).

NC_000006.12:g.118548217C>A

Genes: CEP85L (centrosomal protein 85L; minus strand), PLN (phospholamban; plus strand). Cytogenetic location: 6q22.31.
Variant type: single nucleotide variant.
Molecular consequence: intron variant (on NM_001042475.3).
Genome position: GRCh38 VCF-style: chr6-118548217-C-A. GRCh37 (hg19) VCF-style: chr6-118869380-C-A.
Other names: c.1029+17312G>T (NM_001178035.2); c.1020+17312G>T (NM_001042475.3, NM_206921.3).
Identifiers: ClinVar variation 4989355 (VCV004989355.1).